The following is an entry in ClinVar:

ClinVar aggregate classification (germline): Benign. Review status: criteria provided, single submitter (1 of 4 stars). 2 submissions from 2 submitters: Benign (1). 1 of the submissions does not count toward it. Last evaluated 2026-01-06.

Conditions:
TRIM28-related disorder. Also called: TRIM28-related condition.

Allele frequency attached by ClinVar (database versions not stated): 1000 Genomes Project 0.00060; 1000 Genomes Project 30x 0.00062; ESP Exome Variant Server 0.00131.
gnomAD v4.1: 408 of 1,605,800 alleles (0.025%); highest among the groups gnomAD compares: African/African-American, 0.46%; 2 homozygotes.

Submissions (5):

Labcorp Genetics (formerly Invitae), Labcorp
Classification: Benign. Last evaluated: 2026-01-06. Review status: criteria provided, single submitter. Criteria: Invitae Variant Classification Sherloc (09022015). Collection method: clinical testing. Allele origin: germline.

PreventionGenetics, part of Exact Sciences
Classification: Likely benign for TRIM28-related condition. Last evaluated: 2023-03-28. Review status: no assertion criteria provided. Collection method: clinical testing. Allele origin: germline. Not counted in ClinVar's aggregate classification.
Comment: This variant is classified as likely benign based on ACMG/AMP sequence variant interpretation guidelines (Richards et al. 2015 PMID: 25741868, with internal and published modifications).

Dr. Peter K. Rogan Lab, Western University
No classification provided (evidence only). Condition: Familial cancer of breast. Review status: no classification provided. Collection method: in vitro. Allele origin: not applicable. Functional consequence: retained intron. Not counted in ClinVar's aggregate classification.

Dr. Peter K. Rogan Lab, Western University
No classification provided (evidence only). Condition: Ovarian serous cystadenocarcinoma. Review status: no classification provided. Collection method: in vitro. Allele origin: not applicable. Functional consequence: retained intron. Not counted in ClinVar's aggregate classification.

Dr. Peter K. Rogan Lab, Western University
No classification provided (evidence only). Condition: Malignant tumor of esophagus. Review status: no classification provided. Collection method: in vitro. Allele origin: not applicable. Functional consequence: retained intron. Not counted in ClinVar's aggregate classification.

NM_005762.3(TRIM28):c.1983-5C>G

Gene: TRIM28 (tripartite motif containing 28; plus strand). Cytogenetic location: 19q13.43.
Variant type: single nucleotide variant.
Coding change: c.1983-5C>G on transcript NM_005762.3 (MANE Select); 5 bases into the intron before coding-DNA position 1983, C replaced by G.
Molecular consequence: intron variant.
Genome position (GRCh38, 1-based): chr19:58,549,732, C>G. VCF-style: chr19-58549732-C-G. GRCh37 (hg19) VCF-style: chr19-59061099-C-G.
Other names: c.1983-5C>G (NM_005762.2).
Identifiers: ClinVar variation 2735660 (VCV002735660.6), dbSNP rs149386672, ClinGen allele CA9719441.